The following is an entry in ClinVar:

ClinVar aggregate classification (germline): Uncertain significance (1 of 4 stars; one submission).

Conditions:
Developmental and epileptic encephalopathy, 34 (DEE34). Also called: Early infantile epileptic encephalopathy 34; SLC12A5-Related Epilepsy of Infancy with Migrating Focal Seizures. Identifiers: Orphanet 293181, MedGen C4225257, MONDO:0014718, OMIM 616645.

Submission:

Labcorp Genetics (formerly Invitae), Labcorp
Classification: Uncertain significance for Developmental and epileptic encephalopathy, 34. Last evaluated: 2019-08-14. Review status: criteria provided, single submitter. Criteria: Invitae Variant Classification Sherloc (09022015). Collection method: clinical testing. Allele origin: germline.
Comment: This sequence change replaces arginine with serine at codon 654 of the SLC12A5 protein (p.Arg654Ser). The arginine residue is highly conserved and there is a moderate physicochemical difference between arginine and serine. This variant is not present in population databases (ExAC no frequency). This variant has not been reported in the literature in individuals with SLC12A5-related conditions. Algorithms developed to predict the effect of missense changes on protein structure and function are either unavailable or do not agree on the potential impact of this missense change (SIFT: "Deleterious"; PolyPhen-2: "Possibly Damaging"; Align-GVGD: "Class C15"). In summary, the available evidence is currently insufficient to determine the role of this variant in disease. Therefore, it has been classified as a Variant of Uncertain Significance.

NM_020708.5(SLC12A5):c.1960C>A (p.Arg654Ser)

Gene: SLC12A5 (solute carrier family 12 member 5; plus strand). Cytogenetic location: 20q13.12.
Variant type: single nucleotide variant.
Coding change: c.1960C>A on transcript NM_020708.5 (MANE Select); coding-DNA position 1960, C replaced by A.
Protein change: p.Arg654Ser; replaces arginine 654 with serine.
Molecular consequence: missense variant.
Genome position (GRCh38, 1-based): chr20:46,048,033, C>A. VCF-style: chr20-46048033-C-A. GRCh37 (hg19) VCF-style: chr20-44676672-C-A.
Other names: c.2029C>A, p.Arg677Ser (NM_001134771.2); short protein forms R654S, R677S.
Identifiers: ClinVar variation 949925 (VCV000949925.10), dbSNP rs200020521, ClinGen allele CA409200427.